The following is an entry in ClinVar:

NM_000447.3(PSEN2):c.66G>A (p.Ser22=)

Gene: PSEN2 (presenilin 2; plus strand). Cytogenetic location: 1q42.13.
Variant type: single nucleotide variant.
Coding change: c.66G>A on transcript NM_000447.3 (MANE Select); coding-DNA position 66, G replaced by A.
Protein change: p.Ser22=; no amino-acid change (serine 22 retained).
Molecular consequence: synonymous variant.
Genome position (GRCh38, 1-based): chr1:226,881,973, G>A. VCF-style: chr1-226881973-G-A. GRCh37 (hg19) VCF-style: chr1-227069674-G-A.
Other names: c.66G>A, p.Ser22= (NM_012486.3).
Identifiers: ClinVar variation 448150 (VCV000448150.13), dbSNP rs367645069, ClinGen allele CA1424377.

ClinVar aggregate classification (germline): Likely benign. Review status: criteria provided, multiple submitters, no conflicts (2 of 4 stars). 5 submissions from 5 submitters: Likely benign (4). 1 of the submissions does not count toward it. Last evaluated 2025-02-16.

Conditions:
Alzheimer disease 4 (AD4). Identifiers: Orphanet 1020, MedGen C1847200, MONDO:0011743, OMIM 606889.
PSEN2-related disorder. Also called: PSEN2-related condition.

Allele frequency attached by ClinVar (database versions not stated): TOPMed 0.00006; gnomAD exomes 0.00008 and 0.00010; ExAC 0.00011; gnomAD 0.00017; ESP Exome Variant Server 0.00031.
gnomAD v4.1: 170 of 1,613,944 alleles (0.011%); highest among the groups gnomAD compares: South Asian, 0.018%; no homozygotes.

Submissions (5):

Laboratory of Genetics, Children's Clinical University Hospital Latvia
Classification: Likely benign. Last evaluated: 2025-02-16. Review status: criteria provided, single submitter. Criteria: ACMG Guidelines, 2015. Collection method: clinical testing. Allele origin: germline. Affected: yes.

Labcorp Genetics (formerly Invitae), Labcorp
Classification: Likely benign for Alzheimer disease 4. Last evaluated: 2023-05-23. Review status: criteria provided, single submitter. Criteria: Invitae Variant Classification Sherloc (09022015). Collection method: clinical testing. Allele origin: germline.

Blueprint Genetics
Classification: Likely benign. Last evaluated: 2023-02-27. Review status: criteria provided, single submitter. Criteria: ACMG Guidelines, 2015. Collection method: clinical testing. Allele origin: germline.

Athena Diagnostics
Classification: Likely benign. Last evaluated: 2017-05-23. Review status: criteria provided, single submitter. Criteria: Athena Diagnostics Criteria. Collection method: clinical testing. Allele origin: germline.

PreventionGenetics, part of Exact Sciences
Classification: Likely benign for PSEN2-related condition. Last evaluated: 2021-10-19. Review status: no assertion criteria provided. Collection method: clinical testing. Allele origin: germline. Not counted in ClinVar's aggregate classification.
Comment: This variant is classified as likely benign based on ACMG/AMP sequence variant interpretation guidelines (Richards et al. 2015 PMID: 25741868, with internal and published modifications).